The following is an entry in ClinVar:

ClinVar aggregate classification (germline): Uncertain significance (1 of 4 stars; one submission).

Conditions:
Hereditary cancer-predisposing syndrome. Also called: Neoplastic Syndromes, Hereditary; Tumor predisposition; Hereditary neoplastic syndrome; Hereditary Cancer Syndrome. Identifiers: Orphanet 140162, MedGen C0027672, MeSH D009386, MONDO:0015356.

Submission:

Ambry Genetics
Classification: Uncertain significance for Hereditary cancer-predisposing syndrome. Last evaluated: 2025-06-02. Review status: criteria provided, single submitter. Criteria: Ambry Variant Classification Scheme 2023. Collection method: clinical testing. Allele origin: germline.
Comment: The p.P291T variant (also known as c.871C>A), located in coding exon 5 of the MEN1 gene, results from a C to A substitution at nucleotide position 871. The proline at codon 291 is replaced by threonine, an amino acid with highly similar properties. This amino acid position is conserved. In addition, the in silico prediction for this alteration is inconclusive. Based on the available evidence, the clinical significance of this variant remains unclear.

NM_001370259.2(MEN1):c.871C>A (p.Pro291Thr)

Gene: MEN1 (menin 1; minus strand). Cytogenetic location: 11q13.1.
Variant type: single nucleotide variant.
Coding change: c.871C>A on transcript NM_001370259.2 (MANE Select); coding-DNA position 871, C replaced by A.
Protein change: p.Pro291Thr; replaces proline 291 with threonine.
Molecular consequence: missense variant. On other transcripts: non-coding transcript variant (4).
Genome position (GRCh38, 1-based): chr11:64,807,052, G>T on the plus strand (C>A on the coding strand, the complement: MEN1 is on the minus strand). VCF-style: chr11-64807052-G-T. GRCh37 (hg19) VCF-style: chr11-64574524-G-T.
Other names: c.886C>A, p.Pro296Thr (NM_000244.4, NM_001407145.1, NM_001407150.1 and 5 more transcripts); c.871C>A, p.Pro291Thr (NM_001370251.2, NM_001370260.2, NM_001370261.2 and 7 more transcripts); c.766C>A, p.Pro256Thr (NM_001370262.2, NM_001370263.2, NM_001407148.1 and 2 more transcripts); short protein forms P291T, P256T, P296T.
Identifiers: ClinVar variation 4053817 (VCV004053817.1).